The following is an entry in ClinVar:

NM_000036.3(AMPD1):c.1236G>A (p.Ala412=)

Gene: AMPD1 (adenosine monophosphate deaminase 1; minus strand). Cytogenetic location: 1p13.2.
Variant type: single nucleotide variant.
Coding change: c.1236G>A on transcript NM_000036.3 (MANE Select); coding-DNA position 1236, G replaced by A.
Protein change: p.Ala412=; no amino-acid change (alanine 412 retained).
Molecular consequence: synonymous variant.
Genome position (GRCh38, 1-based): chr1:114,677,503, C>T on the plus strand (G>A on the coding strand, the complement: AMPD1 is on the minus strand). VCF-style: chr1-114677503-C-T. GRCh37 (hg19) VCF-style: chr1-115220124-C-T.
Other names: c.1224G>A, p.Ala408= (NM_001172626.2); c.1335G>A (NM_000036.2).
Identifiers: ClinVar variation 1632772 (VCV001632772.10), dbSNP rs141829342, ClinGen allele CA1020170.

ClinVar aggregate classification (germline): Likely benign. Review status: criteria provided, single submitter (1 of 4 stars). 2 submissions from 2 submitters: Likely benign (1). 1 of the submissions does not count toward it. Last evaluated 2026-01-21.

Conditions:
AMPD1-related disorder. Also called: AMPD1-related condition.
Muscle AMP deaminase deficiency (MMDD). Also called: Myoadenylate deaminase deficiency, myopathy due to; Adenosine monophosphate deaminase 1 deficiency; AMP deaminase 1 deficiency; Adenosine Monophosphate Deaminase 1; AMPD1 DEFICIENCY; ADENOSINE MONOPHOSPHATE DEAMINASE-1 DEFICIENCY, MYOPATHY DUE TO. Identifiers: Orphanet 45, MedGen C3714933, MONDO:0014220, OMIM 615511.

Allele frequency attached by ClinVar (database versions not stated): gnomAD 0.00003; gnomAD exomes 0.00004 and 0.00007; TOPMed 0.00005; ESP Exome Variant Server 0.00008; ExAC 0.00010; 1000 Genomes Project 30x 0.00016; 1000 Genomes Project 0.00020.
gnomAD v4.1: 64 of 1,613,576 alleles (0.004%); highest among the groups gnomAD compares: Non-Finnish European, 0.0047%; no homozygotes.

Submissions (2):

Labcorp Genetics (formerly Invitae), Labcorp
Classification: Likely benign for Muscle AMP deaminase deficiency. Last evaluated: 2026-01-21. Review status: criteria provided, single submitter. Criteria: Invitae Variant Classification Sherloc (09022015). Collection method: clinical testing. Allele origin: germline.

PreventionGenetics, part of Exact Sciences
Classification: Likely benign for AMPD1-related condition. Last evaluated: 2023-08-23. Review status: no assertion criteria provided. Collection method: clinical testing. Allele origin: germline. Not counted in ClinVar's aggregate classification.
Comment: This variant is classified as likely benign based on ACMG/AMP sequence variant interpretation guidelines (Richards et al. 2015 PMID: 25741868, with internal and published modifications).